The following is an entry in ClinVar:

ClinVar aggregate classification (germline): Uncertain significance. Review status: criteria provided, multiple submitters, no conflicts (2 of 4 stars). 2 submissions from 2 submitters: Uncertain significance (2). Last evaluated 2024-01-30.

Conditions:
Early Myoclonic Encephalopathy. Identifiers: MedGen C0270855.

Allele frequency attached by ClinVar (database versions not stated): gnomAD 0.00005; TOPMed 0.00017; gnomAD exomes 0.00001.
gnomAD v4.1: 12 of 1,614,154 alleles (0.00074%); highest among the groups gnomAD compares: Admixed American, 0.015%; no homozygotes.

Submissions (2):

Ambry Genetics
Classification: Uncertain significance. Last evaluated: 2024-01-30. Review status: criteria provided, single submitter. Criteria: Ambry Variant Classification Scheme 2023. Collection method: clinical testing. Allele origin: germline.

Labcorp Genetics (formerly Invitae), Labcorp
Classification: Uncertain significance for Early Myoclonic Encephalopathy. Last evaluated: 2023-12-06. Review status: criteria provided, single submitter. Criteria: Invitae Variant Classification Sherloc (09022015). Collection method: clinical testing. Allele origin: germline.
Comment: This sequence change replaces asparagine, which is neutral and polar, with serine, which is neutral and polar, at codon 1977 of the JMJD1C protein (p.Asn1977Ser). This variant is present in population databases (no rsID available, gnomAD 0.006%). This variant has not been reported in the literature in individuals affected with JMJD1C-related conditions. ClinVar contains an entry for this variant (Variation ID: 840529). Advanced modeling of protein sequence and biophysical properties (such as structural, functional, and spatial information, amino acid conservation, physicochemical variation, residue mobility, and thermodynamic stability) performed at Invitae indicates that this missense variant is not expected to disrupt JMJD1C protein function with a negative predictive value of 80%. In summary, the available evidence is currently insufficient to determine the role of this variant in disease. Therefore, it has been classified as a Variant of Uncertain Significance.

NM_032776.3(JMJD1C):c.5930A>G (p.Asn1977Ser)

Gene: JMJD1C (jumonji domain containing 1C; minus strand). Cytogenetic location: 10q21.3.
Variant type: single nucleotide variant.
Coding change: c.5930A>G on transcript NM_032776.3 (MANE Select); coding-DNA position 5930, A replaced by G.
Protein change: p.Asn1977Ser; replaces asparagine 1977 with serine.
Molecular consequence: missense variant. On other transcripts: non-coding transcript variant (1).
Genome position (GRCh38, 1-based): chr10:63,193,084, T>C on the plus strand (A>G on the coding strand, the complement: JMJD1C is on the minus strand). VCF-style: chr10-63193084-T-C. GRCh37 (hg19) VCF-style: chr10-64952844-T-C.
Other names: c.5930A>G (NM_032776.1); c.5384A>G, p.Asn1795Ser (NM_001282948.2, NM_001318154.2); c.5066A>G, p.Asn1689Ser (NM_001318153.2); c.5816A>G, p.Asn1939Ser (NM_001322252.2); c.5273A>G, p.Asn1758Ser (NM_001322254.2, NM_001322258.2); short protein forms N1758S, N1689S, N1939S, N1795S, N1977S.
Identifiers: ClinVar variation 840529 (VCV000840529.12), dbSNP rs1004778606, ClinGen allele CA208361167.
Genomic context (GRCh38, chr10:63,193,084, plus strand): 5'-TCTGTGCCTACATCACTCTCTGGGCTGCTGCCACCATTTTTCTCAGACTTCGGAGGAGTA[T>C]TTTGCTGCTGAGACTCAGGCATGCACAGAGAAATTTTATTACTGTGATTAAGAACATTCT-3'
Protein context (NP_116165.1, residues 1967-1987): SLCMPESQQQ[Asn1977Ser]TPPKSEKNGG